The following is an entry in ClinVar:

NM_001135649.3(FOXI3):c.1226A>G (p.Asn409Ser)

Gene: FOXI3 (forkhead box I3; minus strand). Cytogenetic location: 2p11.2.
Variant type: single nucleotide variant.
Coding change: c.1226A>G on transcript NM_001135649.3 (MANE Select); coding-DNA position 1226, A replaced by G.
Protein change: p.Asn409Ser; replaces asparagine 409 with serine.
Molecular consequence: missense variant.
Genome position (GRCh38, 1-based): chr2:88,448,244, T>C on the plus strand (A>G on the coding strand, the complement: FOXI3 is on the minus strand). VCF-style: chr2-88448244-T-C. GRCh37 (hg19) VCF-style: chr2-88747763-T-C.
Other names: short protein forms N409S.
Identifiers: ClinVar variation 4772240 (VCV004772240.1).

ClinVar aggregate classification (germline): Uncertain significance (1 of 4 stars; one submission).

Submission:

Labcorp Genetics (formerly Invitae), Labcorp
Classification: Uncertain significance. Last evaluated: 2025-10-26. Review status: criteria provided, single submitter. Criteria: Invitae Variant Classification Sherloc (09022015). Collection method: clinical testing. Allele origin: germline.
Comment: This sequence change replaces asparagine, which is neutral and polar, with serine, which is neutral and polar, at codon 409 of the FOXI3 protein (p.Asn409Ser). This variant is not present in population databases (gnomAD no frequency). This variant has not been reported in the literature in individuals affected with FOXI3-related conditions. Experimental studies and prediction algorithms are not available or were not evaluated, and the functional significance of this variant is currently unknown. Algorithms developed to predict the effect of sequence changes on RNA splicing suggest that this variant may create or strengthen a splice site. In summary, the available evidence is currently insufficient to determine the role of this variant in disease. Therefore, it has been classified as a Variant of Uncertain Significance.